The following is an entry in ClinVar:

NM_000051.4(ATM):c.3000C>G (p.Asn1000Lys)

Gene: ATM (ATM serine/threonine kinase; plus strand). Cytogenetic location: 11q22.3.
Variant type: single nucleotide variant.
Coding change: c.3000C>G on transcript NM_000051.4 (MANE Select); coding-DNA position 3000, C replaced by G.
Protein change: p.Asn1000Lys; replaces asparagine 1000 with lysine.
Molecular consequence: missense variant.
Genome position (GRCh38, 1-based): chr11:108,271,329, C>G. VCF-style: chr11-108271329-C-G. GRCh37 (hg19) VCF-style: chr11-108142056-C-G.
Other names: c.3000C>G, p.Asn1000Lys (NM_001351834.2); c.3000C>G (NM_000051.3); short protein forms N1000K.
Identifiers: ClinVar variation 1394369 (VCV001394369.6), dbSNP rs2135553183, ClinGen allele CA382547394.

ClinVar aggregate classification (germline): Uncertain significance. Review status: criteria provided, multiple submitters, no conflicts (2 of 4 stars). 2 submissions from 2 submitters: Uncertain significance (2). Last evaluated 2024-11-09.

Conditions:
Hereditary cancer-predisposing syndrome. Also called: Hereditary neoplastic syndrome; Neoplastic Syndromes, Hereditary; Hereditary Cancer Syndrome; Tumor predisposition. Identifiers: Orphanet 140162, MedGen C0027672, MeSH D009386, MONDO:0015356.
Ataxia-telangiectasia syndrome (AT). Also called: Ataxia-telangiectasia, complementation group D; Ataxia telangiectasia (A-T); Cerebello-oculocutaneous telangiectasia; Immunodeficiency with ataxia telangiectasia; ATAXIA-TELANGIECTASIA, COMPLEMENTATION GROUP A; ATAXIA-TELANGIECTASIA, FRESNO VARIANT. Identifiers: Orphanet 100, MedGen C0004135, MONDO:0008840, OMIM 208900.

Submissions (2):

Ambry Genetics
Classification: Uncertain significance for Hereditary cancer-predisposing syndrome. Last evaluated: 2024-11-09. Review status: criteria provided, single submitter. Criteria: Ambry Variant Classification Scheme 2023. Collection method: clinical testing. Allele origin: germline.
Comment: The p.N1000K variant (also known as c.3000C>G), located in coding exon 19 of the ATM gene, results from a C to G substitution at nucleotide position 3000. The asparagine at codon 1000 is replaced by lysine, an amino acid with similar properties. This amino acid position is conserved. In addition, this alteration is predicted to be tolerated by in silico analysis. Based on the available evidence, the clinical significance of this variant remains unclear.

Labcorp Genetics (formerly Invitae), Labcorp
Classification: Uncertain significance for Ataxia-telangiectasia syndrome. Last evaluated: 2022-10-17. Review status: criteria provided, single submitter. Criteria: Invitae Variant Classification Sherloc (09022015). Collection method: clinical testing. Allele origin: germline.
Comment: This sequence change replaces asparagine, which is neutral and polar, with lysine, which is basic and polar, at codon 1000 of the ATM protein (p.Asn1000Lys). This variant is not present in population databases (gnomAD no frequency). This variant has not been reported in the literature in individuals affected with ATM-related conditions. ClinVar contains an entry for this variant (Variation ID: 1394369). Algorithms developed to predict the effect of missense changes on protein structure and function (SIFT, PolyPhen-2, Align-GVGD) all suggest that this variant is likely to be tolerated. In summary, the available evidence is currently insufficient to determine the role of this variant in disease. Therefore, it has been classified as a Variant of Uncertain Significance.